The following is an entry in ClinVar:

ClinVar aggregate classification (germline): Uncertain significance (1 of 4 stars; one submission).

gnomAD v4.1: 1 of 1,614,162 alleles (0.000062%); highest among the groups gnomAD compares: Non-Finnish European, 0.000085%; no homozygotes.

Submission:

Labcorp Genetics (formerly Invitae), Labcorp
Classification: Uncertain significance. Last evaluated: 2019-11-05. Review status: criteria provided, single submitter. Criteria: Invitae Variant Classification Sherloc (09022015). Collection method: clinical testing. Allele origin: germline.
Comment: In summary, the available evidence is currently insufficient to determine the role of this variant in disease. Therefore, it has been classified as a Variant of Uncertain Significance. Algorithms developed to predict the effect of missense changes on protein structure and function (SIFT, PolyPhen-2, Align-GVGD) all suggest that this variant is likely to be tolerated, but these predictions have not been confirmed by published functional studies and their clinical significance is uncertain. This variant has not been reported in the literature in individuals with AGBL5-related conditions. This variant is not present in population databases (ExAC no frequency). This sequence change replaces methionine with isoleucine at codon 764 of the AGBL5 protein (p.Met764Ile). The methionine residue is moderately conserved and there is a small physicochemical difference between methionine and isoleucine.

NM_021831.6(AGBL5):c.2292G>A (p.Met764Ile)

Gene: AGBL5 (AGBL carboxypeptidase 5; plus strand). Cytogenetic location: 2p23.3.
Variant type: single nucleotide variant.
Coding change: c.2292G>A on transcript NM_021831.6 (MANE Select); coding-DNA position 2292, G replaced by A.
Protein change: p.Met764Ile; replaces methionine 764 with isoleucine.
Molecular consequence: missense variant. On other transcripts: non-coding transcript variant (2).
Genome position (GRCh38, 1-based): chr2:27,068,681, G>A. VCF-style: chr2-27068681-G-A. GRCh37 (hg19) VCF-style: chr2-27291549-G-A.
Other names: short protein forms M764I.
Identifiers: ClinVar variation 957586 (VCV000957586.9), dbSNP rs1669115004, ClinGen allele CA346141666.